The following is an entry in ClinVar:

ClinVar aggregate classification (germline): Uncertain significance. Review status: criteria provided, multiple submitters, no conflicts (2 of 4 stars). 2 submissions from 2 submitters: Uncertain significance (2). Last evaluated 2023-12-08.

Submissions (2):

Ambry Genetics
Classification: Uncertain significance. Last evaluated: 2023-12-08. Review status: criteria provided, single submitter. Criteria: Ambry Variant Classification Scheme 2023. Collection method: clinical testing. Allele origin: germline.
Comment: The p.N786H variant (also known as c.2356A>C), located in coding exon 15 of the RINT1 gene, results from an A to C substitution at nucleotide position 2356. The asparagine at codon 786 is replaced by histidine, an amino acid with similar properties. This amino acid position is conserved. In addition, this alteration is predicted to be tolerated by in silico analysis. Since supporting evidence is limited at this time, the clinical significance of this alteration remains unclear.

Labcorp Genetics (formerly Invitae), Labcorp
Classification: Uncertain significance. Last evaluated: 2020-02-05. Review status: criteria provided, single submitter. Criteria: Invitae Variant Classification Sherloc (09022015). Collection method: clinical testing. Allele origin: germline.
Comment: Algorithms developed to predict the effect of missense changes on protein structure and function (SIFT, PolyPhen-2, Align-GVGD) all suggest that this variant is likely to be tolerated, but these predictions have not been confirmed by published functional studies and their clinical significance is uncertain. In summary, the available evidence is currently insufficient to determine the role of this variant in disease. Therefore, it has been classified as a Variant of Uncertain Significance. This variant has not been reported in the literature in individuals with RINT1-related conditions. This variant is not present in population databases (ExAC no frequency). This sequence change replaces asparagine with histidine at codon 786 of the RINT1 protein (p.Asn786His). The asparagine residue is moderately conserved and there is a small physicochemical difference between asparagine and histidine.

NM_021930.6(RINT1):c.2356A>C (p.Asn786His)

Genes: EFCAB10 (EF-hand calcium binding domain 10; minus strand), RINT1 (RAD50 interactor 1; plus strand). Cytogenetic location: 7q22.3.
Variant type: single nucleotide variant.
Coding change: c.2356A>C on transcript NM_021930.6 (MANE Select); coding-DNA position 2356, A replaced by C.
Protein change: p.Asn786His; replaces asparagine 786 with histidine.
Molecular consequence: missense variant. On other transcripts: 3 prime UTR variant (2), non-coding transcript variant (1), intron variant (3).
Genome position (GRCh38, 1-based): chr7:105,567,288, A>C. VCF-style: chr7-105567288-A-C. GRCh37 (hg19) VCF-style: chr7-105207735-A-C.
Other names: c.*166T>G (NM_001355527.2, NM_001355529.2); c.2122A>C, p.Asn708His (NM_001346599.2); c.1333A>C, p.Asn445His (NM_001346600.2, NM_001346603.2); c.1432A>C, p.Asn478His (NM_001346601.2); c.360-1841T>G (NM_001355531.2); c.383+179T>G (NM_001355526.2, NM_001355530.2); short protein forms N445H, N478H, N708H, N786H.
Identifiers: ClinVar variation 1055459 (VCV001055459.10), dbSNP rs1791808390, ClinGen allele CA368815706.